The following is an entry in ClinVar:

ClinVar aggregate classification (germline): Uncertain significance (1 of 4 stars; one submission).

Conditions:
Multiple endocrine neoplasia, type 1 (MEN1). Also called: Endocrine adenomatosis multiple; MEN 1; MEN I; WERMER SYNDROME; MEA I. Identifiers: Orphanet 652, MedGen C0025267, MeSH D018761, MONDO:0007540, OMIM 131100.

Submission:

Labcorp Genetics (formerly Invitae), Labcorp
Classification: Uncertain significance for Multiple endocrine neoplasia, type 1. Last evaluated: 2022-01-06. Review status: criteria provided, single submitter. Criteria: Invitae Variant Classification Sherloc (09022015). Collection method: clinical testing. Allele origin: germline.
Comment: Algorithms developed to predict the effect of missense changes on protein structure and function (SIFT, PolyPhen-2, Align-GVGD) all suggest that this variant is likely to be tolerated. In summary, the available evidence is currently insufficient to determine the role of this variant in disease. Therefore, it has been classified as a Variant of Uncertain Significance. This variant has not been reported in the literature in individuals affected with MEN1-related conditions. This variant is not present in population databases (gnomAD no frequency). This sequence change replaces alanine, which is neutral and non-polar, with threonine, which is neutral and polar, at codon 213 of the MEN1 protein (p.Ala213Thr).

NM_001370259.2(MEN1):c.637G>A (p.Ala213Thr)

Gene: MEN1 (menin 1; minus strand). Cytogenetic location: 11q13.1.
Variant type: single nucleotide variant.
Coding change: c.637G>A on transcript NM_001370259.2 (MANE Select); coding-DNA position 637, G replaced by A.
Protein change: p.Ala213Thr; replaces alanine 213 with threonine.
Molecular consequence: missense variant. On other transcripts: intron variant (2).
Genome position (GRCh38, 1-based): chr11:64,807,908, C>T on the plus strand (G>A on the coding strand, the complement: MEN1 is on the minus strand). VCF-style: chr11-64807908-C-T. GRCh37 (hg19) VCF-style: chr11-64575380-C-T.
Other names: c.652G>A, p.Ala218Thr (NM_000244.4, NM_001407145.1, NM_001407150.1 and 5 more transcripts); c.637G>A, p.Ala213Thr (NM_001370251.2, NM_001370260.2, NM_001370261.2 and 7 more transcripts); c.549+88G>A (NM_001370263.2, NM_001370262.2); short protein forms A218T, A213T.
Identifiers: ClinVar variation 2076177 (VCV002076177.4), dbSNP rs2136149178, ClinGen allele CA381185342.